The following is an entry in ClinVar:

ClinVar aggregate classification (germline): Likely benign. Review status: criteria provided, multiple submitters, no conflicts (2 of 4 stars). 2 submissions from 2 submitters: Likely benign (2). Last evaluated 2026-09-01.

gnomAD v4.1: 18 of 471,616 alleles (0.0038%); highest among the groups gnomAD compares: Admixed American, 0.038%; no homozygotes.

Submissions (2):

CeGaT Center for Human Genetics Tuebingen
Classification: Likely benign. Last evaluated: 2026-09-01. Review status: criteria provided, single submitter. Criteria: CeGaT Center For Human Genetics Tuebingen Variant Classification Criteria Version 2. Collection method: clinical testing. Allele origin: germline. Affected: yes. Observed: 1 variant allele.
Comment: SHH: BP4, BP7

Blueprint Genetics
Classification: Likely benign. Last evaluated: 2024-09-11. Review status: criteria provided, single submitter. Criteria: ACMG Guidelines, 2015. Collection method: clinical testing. Allele origin: germline.

NM_000193.4(SHH):c.*2845G>A

Gene: SHH (sonic hedgehog signaling molecule; minus strand). Cytogenetic location: 7q36.3.
Variant type: single nucleotide variant.
Coding change: c.*2845G>A on transcript NM_000193.4 (MANE Select); 2845 bases downstream of the stop codon, G replaced by A.
Molecular consequence: 3 prime UTR variant. On other transcripts: synonymous variant (1), non-coding transcript variant (2).
Genome position (GRCh38, 1-based): chr7:155,800,055, C>T on the plus strand (G>A on the coding strand, the complement: SHH is on the minus strand). VCF-style: chr7-155800055-C-T. GRCh37 (hg19) VCF-style: chr7-155592749-C-T.
Other names: c.492G>A, p.Thr164= (NM_001310462.2).
Identifiers: ClinVar variation 4898681 (VCV004898681.2).